The following is an entry in ClinVar:

ClinVar aggregate classification (germline): Likely benign (0 of 4 stars; one submission).

Conditions:
SZT2-related disorder. Also called: SZT2-related condition.

gnomAD v4.1: 1 of 1,612,832 alleles (0.000062%); highest among the groups gnomAD compares: Non-Finnish European, 0.000085%; no homozygotes.

Submission:

PreventionGenetics, part of Exact Sciences
Classification: Likely benign for SZT2-related condition. Last evaluated: 2024-06-19. Review status: no assertion criteria provided. Collection method: clinical testing. Allele origin: germline.
Comment: This variant is classified as likely benign based on ACMG/AMP sequence variant interpretation guidelines (Richards et al. 2015 PMID: 25741868, with internal and published modifications).

NM_001365999.1(SZT2):c.4989C>T (p.Gly1663=)

Gene: SZT2 (SZT2 subunit of KICSTOR complex; plus strand). Cytogenetic location: 1p34.2.
Variant type: single nucleotide variant.
Coding change: c.4989C>T on transcript NM_001365999.1 (MANE Select); coding-DNA position 4989, C replaced by T.
Protein change: p.Gly1663=; no amino-acid change (glycine 1663 retained).
Molecular consequence: synonymous variant.
Genome position (GRCh38, 1-based): chr1:43,431,337, C>T. VCF-style: chr1-43431337-C-T. GRCh37 (hg19) VCF-style: chr1-43897008-C-T.
Other names: c.4818C>T, p.Gly1606= (NM_015284.4).
Identifiers: ClinVar variation 3344631 (VCV003344631.1).